The following is an entry in ClinVar:

NM_004656.4(BAP1):c.783+1del

Gene: BAP1 (BRCA1 associated deubiquitinase 1; minus strand). Cytogenetic location: 3p21.1.
Variant type: Deletion.
Coding change: c.783+1del on transcript NM_004656.4 (MANE Select); the canonical splice donor site of the intron after coding-DNA position 783, one base deleted (G; older notation c.783+1delG).
Molecular consequence: splice donor variant.
Genome position (GRCh38, 1-based): chr3:52,406,252, C deleted on the plus strand (G on the coding strand, the reverse complement: BAP1 is on the minus strand); the first of 2 consecutive C bases (chr3:52,406,252-52,406,253); deleting either gives the same sequence. VCF-style (leftmost placement, unchanged base first): chr3-52406251-AC-A. GRCh37 (hg19) VCF-style: chr3-52440267-AC-A.
Other names: c.729+1del (NM_001410772.1).
Identifiers: ClinVar variation 2105821 (VCV002105821.4), dbSNP rs2471343029, ClinGen allele CA2580070302.
Genomic context (GRCh38, chr3:52,406,251, plus strand): 5'-GAAGGGAGGAGGAATGCAGGGAGGGTTGGGCTGGGCAGAGGCCAGGAAGAAAGGGCACCT[AC>A]CTGCTGCAGAGCCTCTAGTACTGTCTGACGGTTCACCTTCAGCACATGCAGCCTGGCCTC-3'

ClinVar aggregate classification (germline): Pathogenic (1 of 4 stars; one submission).

Conditions:
BAP1-related tumor predisposition syndrome (TPDS1). Also called: BAP1 tumor predisposition syndrome; Tumor susceptibility linked to germline BAP1 mutations; COMMON Syndrome; TUMOR PREDISPOSITION SYNDROME 1. Identifiers: Orphanet 289539, MedGen C3280492, MONDO:0013692, OMIM 614327.

Submission:

Labcorp Genetics (formerly Invitae), Labcorp
Classification: Pathogenic for BAP1-related tumor predisposition syndrome. Last evaluated: 2022-03-02. Review status: criteria provided, single submitter. Criteria: Invitae Variant Classification Sherloc (09022015). Collection method: clinical testing. Allele origin: germline.
Comment: For these reasons, this variant has been classified as Pathogenic. Algorithms developed to predict the effect of sequence changes on RNA splicing suggest that this variant may disrupt the consensus splice site. This variant has not been reported in the literature in individuals affected with BAP1-related conditions. This variant is not present in population databases (gnomAD no frequency). This sequence change creates a premature translational stop signal (p.Gln261Hisfs*2) in the BAP1 gene. It is expected to result in an absent or disrupted protein product. Loss-of-function variants in BAP1 are known to be pathogenic (PMID: 21874000, 23684012).

Literature cited by the submitters: PubMed 21874000; PubMed 23684012.